The following is an entry in ClinVar:

NM_005908.4(MANBA):c.563_572dup (p.Asp191_Trp192insTer)

Gene: MANBA (mannosidase beta; minus strand). Cytogenetic location: 4q24.
Variant type: Duplication.
Coding change: c.563_572dup on transcript NM_005908.4 (MANE Select); coding-DNA positions 563 to 572, 10 bases duplicated (TTAGTTGGGA; older notation c.563_572dupTTAGTTGGGA).
Protein change: p.Asp191_Trp192insTer.
Molecular consequence: nonsense, inframe insertion.
Genome position (GRCh38, 1-based): chr4:102,714,539-102,714,548, TCCCAACTAA duplicated on the plus strand (TTAGTTGGGA on the coding strand, the reverse complement: MANBA is on the minus strand). VCF-style (leftmost placement, unchanged base first): chr4-102714538-G-GTCCCAACTAA. GRCh37 (hg19) VCF-style: chr4-103635695-G-GTCCCAACTAA.
Other names: c.563_572dupTTAGTTGGGA (NM_005908.3, NM_005908.4).
Identifiers: ClinVar variation 1677 (VCV000001677.9), dbSNP rs752343321, ClinGen allele CA3027170.
Genomic context (GRCh38, chr4:102,714,538, plus strand): 5'-ATTATAGGCTTCAATTCTAACATCTTTCCAGATTCCCTGGGTAGGAAAGGAAGGCCCCCA[G>GTCCCAACTAA]TCCCAACTAAAGGAACATTGCTCCTGCAATTTCAAGGAGAAAAAGAAGATATATTCTGAT-3'

ClinVar aggregate classification (germline): Pathogenic. Review status: criteria provided, multiple submitters, no conflicts (2 of 4 stars). 6 submissions from 6 submitters: Pathogenic (5). 1 of the submissions does not count toward it. Last evaluated 2025-09-15.

Conditions:
Beta-D-mannosidosis (MANSB). Also called: Beta-Mannosidosis; MANNOSIDOSIS, BETA A, LYSOSOMAL; BETA-MANNOSIDASE DEFICIENCY; LYSOSOMAL BETA-MANNOSIDASE DEFICIENCY. Identifiers: Orphanet 118, MedGen C4048196, MONDO:0009562, OMIM 248510.

Allele frequency attached by ClinVar (database versions not stated): gnomAD 0.00001; gnomAD exomes 0.00002 and 0.00003; ExAC 0.00002; TOPMed 0.00002.

Submissions (6):

First Genomix Gene Laboratory, Genetic Diagnostics Department
Classification: Pathogenic for Beta-D-mannosidosis. Last evaluated: 2025-09-15. Review status: criteria provided, single submitter. Criteria: ACMG Guidelines, 2015. Collection method: clinical testing. Allele origin: germline. Inheritance: Autosomal recessive inheritance. Affected: no. Observed: 1 variant allele.

GeneDx
Classification: Pathogenic. Last evaluated: 2025-03-07. Review status: criteria provided, single submitter. Criteria: GeneDx Variant Classification Process June 2021. Collection method: clinical testing. Allele origin: germline. Affected: yes.
Comment: Nonsense variant predicted to result in protein truncation or nonsense mediated decay in a gene for which loss-of-function is a known mechanism of disease; Not observed at a significant frequency in large population cohorts (gnomAD); This variant is associated with the following publications: (PMID: 19728872, 22369051, 18565776, 16401745)

Labcorp Genetics (formerly Invitae), Labcorp
Classification: Pathogenic for Beta-D-mannosidosis. Last evaluated: 2025-02-13. Review status: criteria provided, single submitter. Criteria: Invitae Variant Classification Sherloc (09022015). Collection method: clinical testing. Allele origin: germline.
Comment: This sequence change creates a premature translational stop signal (p.Trp192*) in the MANBA gene. It is expected to result in an absent or disrupted protein product. Loss-of-function variants in MANBA are known to be pathogenic (PMID: 9384606, 12468273). This variant is present in population databases (rs752343321, gnomAD 0.003%). This premature translational stop signal has been observed in individual(s) with clinical features of MANBA-related conditions (PMID: 16401745). In at least one individual the data is consistent with being in trans (on the opposite chromosome) from a pathogenic variant. ClinVar contains an entry for this variant (Variation ID: 1677). For these reasons, this variant has been classified as Pathogenic.

Fulgent Genetics
Classification: Pathogenic for Beta-D-mannosidosis. Last evaluated: 2024-04-05. Review status: criteria provided, single submitter. Criteria: ACMG Guidelines, 2015. Collection method: clinical testing. Allele origin: germline.

Women's Health and Genetics/Laboratory Corporation of America, LabCorp
Classification: Pathogenic for Beta-D-mannosidosis. Last evaluated: 2019-12-16. Review status: criteria provided, single submitter. Criteria: LabCorp Variant Classification Summary - May 2015. Collection method: clinical testing. Allele origin: germline.
Comment: Variant summary: MANBA c.563_572dup10 (p.Trp192X) results in a premature termination codon, predicted to cause a truncation of the encoded protein or absence of the protein due to nonsense mediated decay, which are commonly known mechanisms for disease. Truncations downstream of this position have been classified as pathogenic by our laboratory. The variant allele was found at a frequency of 1.6e-05 in 251188 control chromosomes. c.563_572dup10 has been reported in the literature in an individual affected with Beta-Mannosidosis (Sedel_2006). A functional study, Sabourdy_2009, utilized a compound heterozygote patient, W192X/c.1705-1G>A to have significantly reduced enzyme activity, <10%. No clinical diagnostic laboratories have submitted clinical-significance assessments for this variant to ClinVar after 2014. Based on the evidence outlined above, the variant was classified as pathogenic.

OMIM
Classification: Pathogenic for BETA-MANNOSIDOSIS. Last evaluated: 2006-01-01. Review status: no assertion criteria provided. Collection method: literature only. Allele origin: germline. Not counted in ClinVar's aggregate classification.

Literature cited by the submitters: PubMed 9384606 (cited by Labcorp Genetics (formerly Invitae), Labcorp); PubMed 12468273 (cited by Labcorp Genetics (formerly Invitae), Labcorp); PubMed 16401745 (cited by 3 submitters); PubMed 19728872 (cited by Women's Health and Genetics/Laboratory Corporation of America, LabCorp).